The following is an entry in ClinVar:

ClinVar aggregate classification (germline): Uncertain significance. Review status: criteria provided, multiple submitters, no conflicts (2 of 4 stars). 2 submissions from 2 submitters: Uncertain significance (2). Last evaluated 2024-07-22.

Allele frequency attached by ClinVar (database versions not stated): ExAC 0.00001; gnomAD exomes 0.00001; TOPMed 0.00002; gnomAD 0.00004.
gnomAD v4.1: 26 of 1,611,728 alleles (0.0016%); highest among the groups gnomAD compares: Admixed American, 0.0033%; no homozygotes.

Submissions (2):

Mayo Clinic Laboratories, Mayo Clinic
Classification: Uncertain significance. Last evaluated: 2024-07-22. Review status: criteria provided, single submitter. Criteria: ACMG Guidelines, 2015. Collection method: clinical testing. Allele origin: germline. Observed: 1 variant allele.
Comment: BP4, PM2

Labcorp Genetics (formerly Invitae), Labcorp
Classification: Uncertain significance. Last evaluated: 2022-02-05. Review status: criteria provided, single submitter. Criteria: Invitae Variant Classification Sherloc (09022015). Collection method: clinical testing. Allele origin: germline.
Comment: This variant is present in population databases (rs747116300, gnomAD 0.003%). This variant has not been reported in the literature in individuals affected with SEC24D-related conditions. Algorithms developed to predict the effect of missense changes on protein structure and function are either unavailable or do not agree on the potential impact of this missense change (SIFT: "Not Available"; PolyPhen-2: "Benign"; Align-GVGD: "Not Available"). In summary, the available evidence is currently insufficient to determine the role of this variant in disease. Therefore, it has been classified as a Variant of Uncertain Significance. This sequence change replaces arginine, which is basic and polar, with glutamine, which is neutral and polar, at codon 993 of the SEC24D protein (p.Arg993Gln).

NM_014822.4(SEC24D):c.2978G>A (p.Arg993Gln)

Gene: SEC24D (SEC24 homolog D, COPII component; minus strand). Cytogenetic location: 4q26.
Variant type: single nucleotide variant.
Coding change: c.2978G>A on transcript NM_014822.4 (MANE Select); coding-DNA position 2978, G replaced by A.
Protein change: p.Arg993Gln; replaces arginine 993 with glutamine.
Molecular consequence: missense variant.
Genome position (GRCh38, 1-based): chr4:118,723,636, C>T on the plus strand (G>A on the coding strand, the complement: SEC24D is on the minus strand). VCF-style: chr4-118723636-C-T. GRCh37 (hg19) VCF-style: chr4-119644791-C-T.
Other names: p.Arg993Gln; c.2981G>A, p.Arg994Gln (NM_001318066.2); short protein forms R994Q, R993Q.
Identifiers: ClinVar variation 1373110 (VCV001373110.9), dbSNP rs747116300, ClinGen allele CA3056798.